The following is an entry in ClinVar:

NM_000019.3(ACAT1):c.*258G>A

Gene: ACAT1 (acetyl-CoA acetyltransferase 1; plus strand). Cytogenetic location: 11q22.3.
Variant type: single nucleotide variant.
Coding change: c.*258G>A on transcript NM_000019.3; 258 bases downstream of the stop codon, G replaced by A.
Genome position (GRCh38, 1-based): chr11:108,147,648, G>A. VCF-style: chr11-108147648-G-A. GRCh37 (hg19) VCF-style: chr11-108018375-G-A.
Identifiers: ClinVar variation 302218 (VCV000302218.8), dbSNP rs79764488, ClinGen allele CA10636982.
Genomic context (GRCh38, chr11:108,147,648, plus strand): 5'-TTGGTAACCTTGAAAAGTTTGATACATTTTTGCATTCTGAGTCTATACTTATCGAAATAT[G>A]GTAGAAATACCAATGTGTAATATTAGTGACTTACATAAGTAGCTAGAAGTTTCCATTTGT-3'

ClinVar aggregate classification (germline): Likely benign. Review status: criteria provided, multiple submitters, no conflicts (2 of 4 stars). 2 submissions from 2 submitters: Likely benign (2). Last evaluated 2017-04-27.

Conditions:
Deficiency of acetyl-CoA acetyltransferase. Also called: Beta-ketothiolase deficiency; 3-KETOTHIOLASE DEFICIENCY; 3-OXOTHIOLASE DEFICIENCY; MITOCHONDRIAL ACETOACETYL-CoA THIOLASE DEFICIENCY. Identifiers: Orphanet 134, MedGen C1536500, MONDO:0008760, OMIM 203750. Disease mechanism: loss of function.

Allele frequency attached by ClinVar (database versions not stated): 1000 Genomes Project 0.01358; gnomAD 0.01061; TOPMed 0.01204; 1000 Genomes Project 30x 0.01359.

Submissions (2):

Illumina Laboratory Services, Illumina
Classification: Likely benign for Deficiency of acetyl-CoA acetyltransferase. Last evaluated: 2017-04-27. Review status: criteria provided, single submitter. Criteria: ICSL Variant Classification Criteria 13 December 2019. Collection method: clinical testing. Allele origin: germline.
Comment: This variant was observed as part of a predisposition screen in an ostensibly healthy population. A literature search was performed for the gene, cDNA change, and amino acid change (where applicable). No publications were found based on this search. Allele frequency data from public databases allowed determination this variant is unlikely to cause disease. Therefore, this variant is classified as likely benign.

Breakthrough Genomics
Classification: Likely benign. Review status: criteria provided, single submitter. Criteria: ACMG Guidelines, 2015. Collection method: not provided. Allele origin: germline. Inheritance: Autosomal recessive inheritance. Affected: yes.